The following is an entry in ClinVar:

NM_000264.5(PTCH1):c.2931_2932insGTAGA (p.Leu978fs)

Gene: PTCH1 (patched 1; minus strand). Cytogenetic location: 9q22.32.
Variant type: Insertion.
Coding change: c.2931_2932insGTAGA on transcript NM_000264.5 (MANE Select); coding-DNA positions 2931 to 2932, GTAGA inserted.
Protein change: p.Leu978fs; shifts the reading frame from leucine 978.
Molecular consequence: frameshift variant. On other transcripts: non-coding transcript variant (1).
Genome position: GRCh38 VCF-style: chr9-95458249-G-GTCTAC. GRCh37 (hg19) VCF-style: chr9-98220531-G-GTCTAC.
Other names: c.2733_2734insGTAGA, p.Leu912fs (NM_001083602.3); c.2928_2929insGTAGA, p.Leu977fs (NM_001083603.3); c.2478_2479insGTAGA, p.Leu827fs (NM_001083604.3, NM_001083605.3, NM_001083606.3 and 1 more transcripts); c.2775_2776insGTAGA, p.Leu926fs (NM_001354918.2); short protein forms L827fs, L912fs, L926fs, L977fs, L978fs.
Identifiers: ClinVar variation 453836 (VCV000453836.7), dbSNP rs1554691423, ClinGen allele CA658657885.

ClinVar aggregate classification (germline): Pathogenic (1 of 4 stars; one submission).

Conditions:
Gorlin syndrome. Also called: Basal cell nevus syndrome; Nevoid Basal Cell Carcinoma Syndrome. Identifiers: Orphanet 377, MedGen C0004779, MONDO:0007187.

Submission:

Labcorp Genetics (formerly Invitae), Labcorp
Classification: Pathogenic for Gorlin syndrome. Last evaluated: 2017-01-17. Review status: criteria provided, single submitter. Criteria: Invitae Variant Classification Sherloc (09022015). Collection method: clinical testing. Allele origin: germline.
Comment: This sequence change inserts 5 nucleotides in exon 18 of the PTCH1 mRNA (c.2931_2932insGTAGA), causing a frameshift at codon 978. This creates a premature translational stop signal (p.Leu978Valfs*19) and is expected to result in an absent or disrupted protein product. For these reasons, this variant has been classified as Pathogenic. While this particular variant has not been reported in the literature, loss-of-function variants in PTCH1 are known to be pathogenic (PMID: 16301862, 16419085).

Literature cited by the submitters: PubMed 16301862; PubMed 16419085.